The following is an entry in ClinVar:

ClinVar aggregate classification (germline): Conflicting classifications of pathogenicity. Review status: criteria provided, conflicting classifications (1 of 4 stars). 7 submissions from 4 submitters: Uncertain significance (4); Likely benign (3). Last evaluated 2025-06-07.

Conditions:
MYH7-related skeletal myopathy. Also called: Myopathy, distal, 1; MYOPATHY, DISTAL, EARLY-ONSET, AUTOSOMAL DOMINANT; MYOPATHY, LATE DISTAL HEREDITARY; Laing early-onset distal myopathy; Laing distal myopathy. Identifiers: Orphanet 59135, MedGen C4552004, MONDO:0008050, OMIM 160500.
Myosin storage myopathy (CMYO7A). Also called: Scapuloperoneal myopathy, MYH7-related; MYOPATHY WITH LYSIS OF TYPE I MYOFIBRILS; SCAPULOPERONEAL MUSCULAR DYSTROPHY; SCAPULOPERONEAL SYNDROME, MYOPATHIC TYPE; MYH7-related late-onset scapuloperoneal muscular dystrophy; Congenital myopathy 7A, myosin storage, autosomal dominant. Identifiers: Orphanet 437572, Orphanet 636965, MedGen C1842160, MONDO:0008409, OMIM 608358.
Dilated cardiomyopathy 1S (CMD1S). Identifiers: Orphanet 154, Orphanet 54260, MedGen C1834481, MONDO:0013262, OMIM 613426.
Cardiomyopathy (CMYO). Also called: Cardiomyopathies. Identifiers: Orphanet 167848, MedGen C0878544, MONDO:0004994, HP:0001638. Inheritance: Various modes of inheritance.
Hypertrophic cardiomyopathy. Also called: HYPERTROPHIC MYOCARDIOPATHY. Identifiers: Orphanet 217569, MedGen C0007194, MeSH D002312, MONDO:0005045, HP:0001639.
Hypertrophic cardiomyopathy 1 (CMH1). Also called: Familial hypertrophic cardiomyopathy 1; MYH7-Related Familial Hypertrophic Cardiomyopathy. Identifiers: MedGen C3495498, MONDO:0008647, OMIM 192600.

Allele frequency attached by ClinVar (database versions not stated): gnomAD exomes below 0.00001; ExAC 0.00001.
gnomAD v4.1: 2 of 1,614,136 alleles (0.00012%); highest among the groups gnomAD compares: Non-Finnish European, 0.00017%; no homozygotes.

Submissions (7):

Labcorp Genetics (formerly Invitae), Labcorp
Classification: Likely benign for Hypertrophic cardiomyopathy. Last evaluated: 2025-06-07. Review status: criteria provided, single submitter. Criteria: Invitae Variant Classification Sherloc (09022015). Collection method: clinical testing. Allele origin: germline.

All of Us Research Program, National Institutes of Health
Classification: Likely benign for Cardiomyopathy. Last evaluated: 2024-02-05. Review status: criteria provided, single submitter. Criteria: ACMG Guidelines, 2015. Collection method: clinical testing. Allele origin: germline. Inheritance: Autosomal dominant inheritance. Observed: 3 variant alleles, 3 heterozygotes.
Comment: This study involves interpretation of variants in research participants for the purpose of population health screening. Participant phenotype was not available at the time of variant classification. Additional details can be found in publication PMID: 35346344, PMCID: PMC8962531

Color Diagnostics, LLC DBA Color Health
Classification: Likely benign for Cardiomyopathy. Last evaluated: 2021-06-28. Review status: criteria provided, single submitter. Criteria: ACMG Guidelines, 2015. Collection method: clinical testing. Allele origin: germline.

Illumina Laboratory Services, Illumina
Classification: Uncertain significance for Dilated cardiomyopathy 1S. Last evaluated: 2018-01-13. Review status: criteria provided, single submitter. Criteria: ICSL Variant Classification Criteria 13 December 2019. Collection method: clinical testing. Allele origin: germline.

Illumina Laboratory Services, Illumina
Classification: Uncertain significance for MYH7-related skeletal myopathy. Last evaluated: 2018-01-13. Review status: criteria provided, single submitter. Criteria: ICSL Variant Classification Criteria 13 December 2019. Collection method: clinical testing. Allele origin: germline.

Illumina Laboratory Services, Illumina
Classification: Uncertain significance for Myosin storage myopathy. Last evaluated: 2018-01-13. Review status: criteria provided, single submitter. Criteria: ICSL Variant Classification Criteria 13 December 2019. Collection method: clinical testing. Allele origin: germline.

Illumina Laboratory Services, Illumina
Classification: Uncertain significance for Hypertrophic cardiomyopathy 1. Last evaluated: 2018-01-13. Review status: criteria provided, single submitter. Criteria: ICSL Variant Classification Criteria 13 December 2019. Collection method: clinical testing. Allele origin: germline.

NM_000257.4(MYH7):c.2424-7C>T

Genes: MYH7 (myosin heavy chain 7; minus strand), LOC126861898 (BRD4-independent group 4 enhancer GRCh37_chr14:23893609-23894808; plus strand). Cytogenetic location: 14q11.2.
Variant type: single nucleotide variant.
Coding change: c.2424-7C>T on transcript NM_000257.4 (MANE Select); 7 bases into the intron before coding-DNA position 2424, C replaced by T.
Molecular consequence: intron variant.
Genome position (GRCh38, 1-based): chr14:23,425,031, G>A on the plus strand (C>T on the coding strand, the complement: MYH7 is on the minus strand). VCF-style: chr14-23425031-G-A. GRCh37 (hg19) VCF-style: chr14-23894240-G-A.
Identifiers: ClinVar variation 882969 (VCV000882969.15), dbSNP rs759141144, ClinGen allele CA032869.